The following is an entry in ClinVar:

ClinVar aggregate classification (germline): Likely pathogenic. Review status: criteria provided, multiple submitters, no conflicts (2 of 4 stars). 2 submissions from 2 submitters: Likely pathogenic (2). Last evaluated 2025-02-14.

Conditions:
Primary ciliary dyskinesia 7. Also called: CILIARY DYSKINESIA, PRIMARY, 7, WITH OR WITHOUT SITUS INVERSUS. Identifiers: Orphanet 244, MedGen C2678473, MONDO:0012748, OMIM 611884.

Submissions (2):

Broad Center for Mendelian Genomics, Broad Institute of MIT and Harvard
Classification: Likely pathogenic for Primary ciliary dyskinesia 7. Last evaluated: 2025-02-14. Review status: criteria provided, single submitter. Criteria: ACMG Guidelines, 2015. Collection method: curation. Allele origin: germline. Inheritance: Autosomal recessive inheritance.
Comment: The c.7267-1G>T variant in DNAH11 has not been previously reported in the literature in individuals with primary ciliary dyskinesia, but has been identified in 0.001% (1/74880) of African/African American chromosomes by the Genome Aggregation Database (gnomAD; dbSNP ID: rs759302236). Although this variant has been seen in the general population in a heterozygous state, its frequency is low enough to be consistent with a recessive carrier frequency. This variant has also been reported in ClinVar (Variation ID: 804400) and has been interpreted as likely pathogenic by Hadassah Hebrew University Medical Center. This variant is located in the 5' splice region. SpliceAI predictions indicate use of an out-of-frame cryptic splice site 16 bases from the intron-exon boundary, providing evidence that this variant may cause a frameshift and lead to a premature termination codon downstream. This alteration is then predicted to lead to a truncated or absent protein. However, this information is not predictive enough to determine pathogenicity. Loss of function of the DNAH11 gene is an established disease mechanism in autosomal recessive primary ciliary dyskinesia. In summary, although additional studies are required to fully establish its clinical significance, this variant is likely pathogenic for autosomal recessive primary ciliary dyskinesia. ACMG/AMP Criteria applied: PVS1, PM2_supporting (Richards 2015).

Hadassah Hebrew University Medical Center
Classification: Likely pathogenic for Primary ciliary dyskinesia 7. Last evaluated: 2019-06-20. Review status: criteria provided, single submitter. Criteria: ACMG Guidelines, 2015. Collection method: clinical testing. Allele origin: germline. Inheritance: Autosomal recessive inheritance. Affected: yes.

NM_001277115.2(DNAH11):c.7267-1G>T

Gene: DNAH11 (dynein axonemal heavy chain 11; plus strand). Cytogenetic location: 7p15.3.
Variant type: single nucleotide variant.
Coding change: c.7267-1G>T on transcript NM_001277115.2 (MANE Select); the canonical splice acceptor site of the intron before coding-DNA position 7267, G replaced by T.
Molecular consequence: splice acceptor variant.
Genome position (GRCh38, 1-based): chr7:21,725,810, G>T. VCF-style: chr7-21725810-G-T. GRCh37 (hg19) VCF-style: chr7-21765428-G-T.
Identifiers: ClinVar variation 804400 (VCV000804400.3), dbSNP rs759302236, ClinGen allele CA366945464.